The following is an entry in ClinVar:

ClinVar aggregate classification (germline): Uncertain significance (1 of 4 stars; one submission).

Submission:

Labcorp Genetics (formerly Invitae), Labcorp
Classification: Uncertain significance. Last evaluated: 2025-06-27. Review status: criteria provided, single submitter. Criteria: Invitae Variant Classification Sherloc (09022015). Collection method: clinical testing. Allele origin: germline.
Comment: This sequence change replaces leucine, which is neutral and non-polar, with phenylalanine, which is neutral and non-polar, at codon 1914 of the POLE protein (p.Leu1914Phe). This variant is not present in population databases (gnomAD no frequency). This variant has not been reported in the literature in individuals affected with POLE-related conditions. Invitae Evidence Modeling of protein sequence and biophysical properties (such as structural, functional, and spatial information, amino acid conservation, physicochemical variation, residue mobility, and thermodynamic stability) indicates that this missense variant is not expected to disrupt POLE protein function with a negative predictive value of 80%. In summary, the available evidence is currently insufficient to determine the role of this variant in disease. Therefore, it has been classified as a Variant of Uncertain Significance.

NM_006231.4(POLE):c.5740C>T (p.Leu1914Phe)

Gene: POLE (DNA polymerase epsilon, catalytic subunit; minus strand). Cytogenetic location: 12q24.33.
Variant type: single nucleotide variant.
Coding change: c.5740C>T on transcript NM_006231.4 (MANE Select); coding-DNA position 5740, C replaced by T.
Protein change: p.Leu1914Phe; replaces leucine 1914 with phenylalanine.
Molecular consequence: missense variant.
Genome position (GRCh38, 1-based): chr12:132,635,963, G>A on the plus strand (C>T on the coding strand, the complement: POLE is on the minus strand). VCF-style: chr12-132635963-G-A. GRCh37 (hg19) VCF-style: chr12-133212549-G-A.
Other names: short protein forms L1914F.
Identifiers: ClinVar variation 4752604 (VCV004752604.1).